The following is an entry in ClinVar:

ClinVar aggregate classification (germline): Uncertain significance. Review status: criteria provided, multiple submitters, no conflicts (2 of 4 stars). 3 submissions from 3 submitters: Uncertain significance (3). Last evaluated 2026-06-23.

Conditions:
KBG syndrome (KBGS). Also called: ANKRD11-Related KBG Syndrome. Identifiers: Orphanet 2332, MedGen C0220687, MONDO:0007846, OMIM 148050.
Inborn genetic diseases. Identifiers: MedGen C0950123, MeSH D030342.

gnomAD v4.1: 3 of 1,612,238 alleles (0.00019%); highest among the groups gnomAD compares: Non-Finnish European, 0.00025%; no homozygotes.

Submissions (3):

Ambry Genetics
Classification: Uncertain significance for Inborn genetic diseases. Last evaluated: 2026-06-23. Review status: criteria provided, single submitter. Criteria: Ambry Variant Classification Scheme 2023. Collection method: clinical testing. Allele origin: germline.

Dasa
Classification: Uncertain significance. Last evaluated: 2026-01-05. Review status: criteria provided, single submitter. Criteria: DASA Assertion Criteria. Collection method: clinical testing. Allele origin: germline.
Comment: NM_013275.6(ANKRD11):c.6538T>A (p.Ser2180Thr) is a missense variant that results in the substitution of serine with threonine. This variant is rare in population databases. Computational prediction algorithms are consistent with a benign effect. The currently available literature and clinical evidence are not sufficient to establish a definitive association between this variant and the reported condition. Therefore, this variant is classified as a variant of uncertain significance.

Labcorp Genetics (formerly Invitae), Labcorp
Classification: Uncertain significance for KBG syndrome. Last evaluated: 2025-05-15. Review status: criteria provided, single submitter. Criteria: Invitae Variant Classification Sherloc (09022015). Collection method: clinical testing. Allele origin: germline.
Comment: This sequence change replaces serine, which is neutral and polar, with threonine, which is neutral and polar, at codon 2180 of the ANKRD11 protein (p.Ser2180Thr). This variant is not present in population databases (gnomAD no frequency). This variant has not been reported in the literature in individuals affected with ANKRD11-related conditions. Invitae Evidence Modeling of protein sequence and biophysical properties (such as structural, functional, and spatial information, amino acid conservation, physicochemical variation, residue mobility, and thermodynamic stability) indicates that this missense variant is not expected to disrupt ANKRD11 protein function with a negative predictive value of 95%. In summary, the available evidence is currently insufficient to determine the role of this variant in disease. Therefore, it has been classified as a Variant of Uncertain Significance.

NM_013275.6(ANKRD11):c.6538T>A (p.Ser2180Thr)

Gene: ANKRD11 (ankyrin repeat domain 11; minus strand). Cytogenetic location: 16q24.3.
Variant type: single nucleotide variant.
Coding change: c.6538T>A on transcript NM_013275.6 (MANE Select); coding-DNA position 6538, T replaced by A.
Protein change: p.Ser2180Thr; replaces serine 2180 with threonine.
Molecular consequence: missense variant.
Genome position (GRCh38, 1-based): chr16:89,280,004, A>T on the plus strand (T>A on the coding strand, the complement: ANKRD11 is on the minus strand). VCF-style: chr16-89280004-A-T. GRCh37 (hg19) VCF-style: chr16-89346412-A-T.
Other names: c.6538T>A, p.Ser2180Thr (NM_001256182.2, NM_001256183.2); c.6538T>A (NM_013275.4); short protein forms S2180T.
Identifiers: ClinVar variation 4750285 (VCV004750285.4).